The following is an entry in ClinVar:

NM_003072.5(SMARCA4):c.1989A>G (p.Glu663=)

Gene: SMARCA4 (SWI/SNF related BAF chromatin remodeling complex subunit ATPase 4; plus strand). Cytogenetic location: 19p13.2.
Variant type: single nucleotide variant.
Coding change: c.1989A>G on transcript NM_003072.5 (MANE Select); coding-DNA position 1989, A replaced by G.
Protein change: p.Glu663=; no amino-acid change (glutamic acid 663 retained).
Molecular consequence: synonymous variant. On other transcripts: non-coding transcript variant (1).
Genome position (GRCh38, 1-based): chr19:11,003,385, A>G. VCF-style: chr19-11003385-A-G. GRCh37 (hg19) VCF-style: chr19-11114061-A-G.
Other names: c.1989A>G, p.Glu663= (NM_001128844.3, NM_001128845.2, NM_001128846.2 and 5 more transcripts).
Identifiers: ClinVar variation 486479 (VCV000486479.15), dbSNP rs780138299, ClinGen allele CA9203963.

ClinVar aggregate classification (germline): Benign/Likely benign. Review status: criteria provided, multiple submitters, no conflicts (2 of 4 stars). 3 submissions from 3 submitters: Benign (1); Likely benign (2). Last evaluated 2026-07-10.

Conditions:
Hereditary cancer-predisposing syndrome. Also called: Tumor predisposition; Neoplastic Syndromes, Hereditary; Hereditary Cancer Syndrome; Hereditary neoplastic syndrome. Identifiers: Orphanet 140162, MedGen C0027672, MeSH D009386, MONDO:0015356.
Rhabdoid tumor predisposition syndrome 2 (RTPS2). Identifiers: Orphanet 231108, Orphanet 69077, MedGen C2750074, MONDO:0013224, OMIM 613325.

Allele frequency attached by ClinVar (database versions not stated): gnomAD exomes below 0.00001; ExAC 0.00001; gnomAD 0.00001.
gnomAD v4.1: 2 of 1,613,910 alleles (0.00012%); highest among the groups gnomAD compares: Non-Finnish European, 0.00017%; no homozygotes.

Submissions (3):

Myriad Genetics, Inc.
Classification: Benign for Rhabdoid tumor predisposition syndrome 2. Last evaluated: 2026-07-10. Review status: criteria provided, single submitter. Criteria: Myriad Autosomal Dominant, Autosomal Recessive and X-Linked Classification Criteria (2023). Collection method: clinical testing. Allele origin: unknown.
Comment: This variant is considered benign. This variant is a silent/synonymous amino acid change and it is not expected to impact splicing.

Labcorp Genetics (formerly Invitae), Labcorp
Classification: Likely benign for Rhabdoid tumor predisposition syndrome 2. Last evaluated: 2025-04-08. Review status: criteria provided, single submitter. Criteria: Invitae Variant Classification Sherloc (09022015). Collection method: clinical testing. Allele origin: germline.

Ambry Genetics
Classification: Likely benign for Hereditary cancer-predisposing syndrome. Last evaluated: 2017-08-30. Review status: criteria provided, single submitter. Criteria: Ambry Variant Classification Scheme 2023. Collection method: clinical testing. Allele origin: germline.